The following is an entry in ClinVar:

NM_000257.4(MYH7):c.2168G>A (p.Arg723His)

Gene: MYH7 (myosin heavy chain 7; minus strand). Cytogenetic location: 14q11.2.
Variant type: single nucleotide variant.
Coding change: c.2168G>A on transcript NM_000257.4 (MANE Select); coding-DNA position 2168, G replaced by A.
Protein change: p.Arg723His; replaces arginine 723 with histidine.
Molecular consequence: missense variant.
Genome position (GRCh38, 1-based): chr14:23,425,813, C>T on the plus strand (G>A on the coding strand, the complement: MYH7 is on the minus strand). VCF-style: chr14-23425813-C-T. GRCh37 (hg19) VCF-style: chr14-23895022-C-T.
Other names: short protein forms R723H.
Identifiers: ClinVar variation 42886 (VCV000042886.63), dbSNP rs397516135, ClinGen allele CA011859.
Genomic context (GRCh38, chr14:23,425,813, plus strand): 5'-TCTGCCCCCTTCCTGCTATCAATGAACTGTCCCTCAGGGATGGCCGCTGGGTTCAGGATG[C>T]GATACCTGAGGAGGGAAGTGTCCAGAGTCACCCATGCTCTGCAGTGATCTGCTCTGCCCA-3'
Protein context (NP_000248.2, residues 713-733): ILYGDFRQRY[Arg723His]ILNPAAIPEG

ClinVar aggregate classification (germline): Conflicting classifications of pathogenicity. Review status: criteria provided, conflicting classifications (1 of 4 stars). 10 submissions from 8 submitters: Pathogenic (1); Likely pathogenic (1); Uncertain significance (7). 1 of the submissions does not count toward it. Last evaluated 2026-09-11.

Conditions:
Myosin storage myopathy (CMYO7A). Also called: MYOPATHY WITH LYSIS OF TYPE I MYOFIBRILS; MYOPATHY, HYALINE BODY, AUTOSOMAL DOMINANT; SCAPULOPERONEAL MUSCULAR DYSTROPHY; SCAPULOPERONEAL SYNDROME, MYOPATHIC TYPE; MYH7-related late-onset scapuloperoneal muscular dystrophy; Congenital myopathy 7A, myosin storage, autosomal dominant. Identifiers: Orphanet 437572, Orphanet 636965, MedGen C1842160, MONDO:0008409, OMIM 608358.
Cardiovascular phenotype. Identifiers: MedGen CN230736.
Familial cardiomyopathy. Identifiers: MedGen C0264789, MONDO:0005217.
Cardiomyopathy (CMYO). Also called: Cardiomyopathies. Identifiers: Orphanet 167848, MedGen C0878544, MONDO:0004994, HP:0001638. Inheritance: Various modes of inheritance.
Dilated cardiomyopathy 1S (CMD1S). Identifiers: Orphanet 154, Orphanet 54260, MedGen C1834481, MONDO:0013262, OMIM 613426.
MYH7-related skeletal myopathy. Also called: Myopathy, distal, 1; Laing distal myopathy; MYOPATHY, DISTAL, EARLY-ONSET, AUTOSOMAL DOMINANT; MYOPATHY, LATE DISTAL HEREDITARY; Laing early-onset distal myopathy. Identifiers: Orphanet 59135, MedGen C4552004, MONDO:0008050, OMIM 160500.
Hypertrophic cardiomyopathy. Also called: HYPERTROPHIC MYOCARDIOPATHY. Identifiers: Orphanet 217569, MedGen C0007194, MeSH D002312, MONDO:0005045, HP:0001639.

Allele frequency attached by ClinVar (database versions not stated): gnomAD exomes below 0.00001; TOPMed below 0.00001; gnomAD 0.00001.
gnomAD v4.1: 4 of 1,613,814 alleles (0.00025%); highest among the groups gnomAD compares: Non-Finnish European, 0.00034%; no homozygotes.

Submissions (10):

Ambry Genetics
Classification: Uncertain significance for Cardiovascular phenotype. Last evaluated: 2026-09-11. Review status: criteria provided, single submitter. Criteria: Ambry Variant Classification Scheme 2023. Collection method: clinical testing. Allele origin: germline.
Comment: The p.R723H variant (also known as c.2168G>A), located in coding exon 18 of the MYH7 gene, results from a G to A substitution at nucleotide position 2168. The arginine at codon 723 is replaced by histidine, an amino acid with highly similar properties. This variant was reported in individuals with hypertrophic or dilated cardiomyopathy (Garc&iacute;a-Giustiniani D et al. Heart, 2015 Jul;101:1047-53; Rani DS et al. CJC Open, 2022 Jan;4:1-11; Mainali A et al. Am J Med Genet A, 2023 Feb;191:510-517). This amino acid position is highly conserved in available vertebrate species. In addition, this alteration is predicted to be deleterious by in silico analysis. Based on the available evidence, the clinical significance of this variant remains unclear.

Labcorp Genetics (formerly Invitae), Labcorp
Classification: Likely pathogenic for Hypertrophic cardiomyopathy. Last evaluated: 2025-10-02. Review status: criteria provided, single submitter. Criteria: Invitae Variant Classification Sherloc (09022015). Collection method: clinical testing. Allele origin: germline.
Comment: This sequence change replaces arginine, which is basic and polar, with histidine, which is basic and polar, at codon 723 of the MYH7 protein (p.Arg723His). This variant is not present in population databases (gnomAD no frequency). This missense change has been observed in individual(s) with hypertrophic or dilated cardiomyopathy (PMID: 25935763, 35072022, 36401557). ClinVar contains an entry for this variant (Variation ID: 42886). Invitae Evidence Modeling of protein sequence and biophysical properties (such as structural, functional, and spatial information, amino acid conservation, physicochemical variation, residue mobility, and thermodynamic stability) indicates that this missense variant is expected to disrupt MYH7 protein function with a positive predictive value of 95%. This variant disrupts the p.Arg723 amino acid residue in MYH7. Other variant(s) that disrupt this residue have been determined to be pathogenic (PMID: 1430197, 9829907, 11113006, 17097032, 19651039, 20819418, 23318932, 25935763). This suggests that this residue is clinically significant, and that variants that disrupt this residue are likely to be disease-causing. In summary, the currently available evidence indicates that the variant is pathogenic, but additional data are needed to prove that conclusively. Therefore, this variant has been classified as Likely Pathogenic.

All of Us Research Program, National Institutes of Health
Classification: Uncertain significance for Cardiomyopathy. Last evaluated: 2024-06-09. Review status: criteria provided, single submitter. Criteria: ACMG Guidelines, 2015. Collection method: clinical testing. Allele origin: germline. Inheritance: Autosomal dominant inheritance. Observed: 1 variant allele, 1 heterozygote.
Comment: This missense variant replaces arginine with histidine at codon 723 of the MYH7 protein. This variant is found within a highly conserved region of the myosin head domain. Missense variants in this region have been shown to be significantly overrepresented in individuals with hypertrophic cardiomyopathy (PMID: 27532257). Computational prediction tools indicate that this variant has a deleterious impact on protein structure and function. To our knowledge, functional studies have not been reported for this variant. This variant has been reported in one individual affected with hypertrophic cardiomyopathy (PMID: 25935763) and in one individual affected with dilated cardiomyopathy (PMID: 35072022). Different variants occurring at the same codon, p.Arg723Cys and p.Arg723Gly, are well documented pathogenic mutations (Clinvar variation ID: 14095 and 42885), indicating that arginine at this position is important for MYH7 protein function. This variant has not been identified in the general population by the Genome Aggregation Database (gnomAD). The available evidence is insufficient to determine the role of this variant in disease conclusively. Therefore, this variant is classified as a Variant of Uncertain Significance.

This study involves interpretation of variants in research participants for the purpose of population health screening. Participant phenotype was not available at the time of variant classification. Additional details can be found in publication PMID: 35346344, PMCID: PMC8962531

Revvity Omics, Revvity
Classification: Uncertain significance. Last evaluated: 2021-12-21. Review status: criteria provided, single submitter. Criteria: ACMG Guidelines, 2015. Collection method: clinical testing. Allele origin: germline.

Illumina Laboratory Services, Illumina
Classification: Uncertain significance for Dilated cardiomyopathy 1S. Last evaluated: 2017-04-27. Review status: criteria provided, single submitter. Criteria: ICSL Variant Classification Criteria 13 December 2019. Collection method: clinical testing. Allele origin: germline.

Illumina Laboratory Services, Illumina
Classification: Uncertain significance for MYH7-related skeletal myopathy. Last evaluated: 2017-04-27. Review status: criteria provided, single submitter. Criteria: ICSL Variant Classification Criteria 13 December 2019. Collection method: clinical testing. Allele origin: germline.

Illumina Laboratory Services, Illumina
Classification: Uncertain significance for Myosin storage myopathy. Last evaluated: 2017-04-27. Review status: criteria provided, single submitter. Criteria: ICSL Variant Classification Criteria 13 December 2019. Collection method: clinical testing. Allele origin: germline.

CeGaT Center for Human Genetics Tuebingen
Classification: Pathogenic. Last evaluated: 2016-09-01. Review status: criteria provided, single submitter. Criteria: CeGaT Center For Human Genetics Tuebingen Variant Classification Criteria Version 2. Collection method: clinical testing. Allele origin: germline. Affected: yes. Observed: 1 variant allele.

Laboratory for Molecular Medicine, Mass General Brigham Personalized Medicine
Classification: Uncertain significance. Last evaluated: 2014-04-04. Review status: criteria provided, single submitter. Criteria: LMM Criteria. Collection method: clinical testing. Allele origin: germline. Observed: 1 variant allele.
Comment: proposed classification - variant undergoing re-assessment, contact laboratory

Evolutionary and Medical Genetics Laboratory,  Centre for Cellular and Molecular Biology
Classification: Pathogenic. Review status: no assertion criteria provided. Collection method: not provided. Allele origin: unknown. Not counted in ClinVar's aggregate classification.
Comment: Missense mutation/Non-synonymous
ClinVar note: Converted during submission from pathogenic to Pathogenic.

Literature cited by the submitters: PubMed 25935763 (cited by 3 submitters); PubMed 35072022 (cited by 3 submitters); PubMed 36401557 (cited by Ambry Genetics and Labcorp Genetics (formerly Invitae), Labcorp); PubMed 1430197 (cited by Labcorp Genetics (formerly Invitae), Labcorp); PubMed 9829907 (cited by Labcorp Genetics (formerly Invitae), Labcorp); PubMed 11113006 (cited by Labcorp Genetics (formerly Invitae), Labcorp); PubMed 17097032 (cited by Labcorp Genetics (formerly Invitae), Labcorp); PubMed 19651039 (cited by Labcorp Genetics (formerly Invitae), Labcorp); PubMed 20819418 (cited by Labcorp Genetics (formerly Invitae), Labcorp); PubMed 23318932 (cited by Labcorp Genetics (formerly Invitae), Labcorp); PubMed 27532257 (cited by All of Us Research Program, National Institutes of Health).